The following is an entry in ClinVar:

ClinVar aggregate classification (germline): Benign/Likely benign. Review status: criteria provided, multiple submitters, no conflicts (2 of 4 stars). 14 submissions from 14 submitters: Benign (8); Likely benign (2). 4 of the submissions do not count toward it. Last evaluated 2026-02-03.

Conditions:
Usher syndrome type 1 (USH1). Also called: RETINITIS PIGMENTOSA AND CONGENITAL DEAFNESS. Identifiers: Orphanet 231169, Orphanet 886, MedGen C1568247, MONDO:0010168, OMIM 276900.
Usher syndrome type 1F (USH1F). Also called: USHER SYNDROME, TYPE IF. Identifiers: Orphanet 231169, Orphanet 886, MedGen C1865885, MONDO:0011186, OMIM 602083.

Allele frequency attached by ClinVar (database versions not stated): gnomAD 0.01523 and 0.01583; gnomAD exomes 0.01567 and 0.01838; 1000 Genomes Project 30x 0.00937; ESP Exome Variant Server 0.00886; 1000 Genomes Project 0.00958; TOPMed 0.00980; ExAC 0.01938.
gnomAD v4.1: 24,457 of 1,576,182 alleles (1.6%); highest among the groups gnomAD compares: Admixed American, 2.1%; 344 homozygotes.

Submissions (14):

Labcorp Genetics (formerly Invitae), Labcorp
Classification: Benign. Last evaluated: 2026-02-03. Review status: criteria provided, single submitter. Criteria: Invitae Variant Classification Sherloc (09022015). Collection method: clinical testing. Allele origin: germline.

ARUP Laboratories, Molecular Genetics and Genomics, ARUP Laboratories
Classification: Benign. Last evaluated: 2023-09-20. Review status: criteria provided, single submitter. Criteria: ARUP Molecular Germline Variant Investigation Process 2024. Collection method: clinical testing. Allele origin: germline.

Mayo Clinic Laboratories, Mayo Clinic
Classification: Benign. Last evaluated: 2021-08-20. Review status: criteria provided, single submitter. Criteria: ACMG Guidelines, 2015. Collection method: clinical testing. Allele origin: germline. Observed: 3 variant alleles.

Athena Diagnostics
Classification: Benign. Last evaluated: 2019-07-10. Review status: criteria provided, single submitter. Criteria: Athena Diagnostics Criteria. Collection method: clinical testing. Allele origin: germline.

Illumina Laboratory Services, Illumina
Classification: Likely benign for Usher syndrome type 1. Last evaluated: 2018-01-13. Review status: criteria provided, single submitter. Criteria: ICSL Variant Classification Criteria 13 December 2019. Collection method: clinical testing. Allele origin: germline.
Comment: This variant was observed in the ICSL laboratory as part of a predisposition screen in an ostensibly healthy population. It had not been previously curated by ICSL or reported in the Human Gene Mutation Database (HGMD: prior to June 1st, 2018), and was therefore a candidate for classification through an automated scoring system. Utilizing variant allele frequency, disease prevalence and penetrance estimates, and inheritance mode, an automated score was calculated to assess if this variant is too frequent to cause the disease. Based on the score and internal cut-off values, a variant classified as likely benign is not then subjected to further curation. The score for this variant resulted in a classification of likely benign for this disease.

Eurofins Ntd Llc (ga)
Classification: Benign. Last evaluated: 2013-09-20. Review status: criteria provided, single submitter. Criteria: EGL Classification Definitions 2015. Collection method: clinical testing. Allele origin: germline. Observed: 1 variant allele, 1 heterozygote.

GeneDx
Classification: Benign. Last evaluated: 2013-05-20. Review status: criteria provided, single submitter. Criteria: GeneDx Variant Classification (06012015). Collection method: clinical testing. Allele origin: germline. Affected: yes.
Comment: This variant is considered likely benign or benign based on one or more of the following criteria: it is a conservative change, it occurs at a poorly conserved position in the protein, it is predicted to be benign by multiple in silico algorithms, and/or has population frequency not consistent with disease.

Laboratory for Molecular Medicine, Mass General Brigham Personalized Medicine
Classification: Benign. Last evaluated: 2011-06-29. Review status: criteria provided, single submitter. Criteria: LMM Criteria. Collection method: clinical testing. Allele origin: germline. Observed: 47 variant alleles.
Comment: Pro1787Ser in exon 33 of PCDH15: This variant is not expected to have clinical s ignificance because this residue is not highly conserved across species. Of note , rat has a serine at this position. In addition, computational analyses do not suggest a high likelihood of clinical significance and this variant is listed in dbSNP with a heterozygous frequency over 1% (rs61862390).

Breakthrough Genomics
Classification: Likely benign. Review status: criteria provided, single submitter. Criteria: ACMG Guidelines, 2015. Collection method: not provided. Allele origin: germline. Inheritance: Autosomal recessive inheritance. Affected: yes.

PreventionGenetics, part of Exact Sciences
Classification: Benign. Review status: criteria provided, single submitter. Criteria: ACMG Guidelines, 2015. Collection method: clinical testing. Allele origin: germline.

Natera, Inc.
Classification: Benign for Usher syndrome type 1F. Last evaluated: 2020-09-16. Review status: no assertion criteria provided. Collection method: clinical testing. Allele origin: germline. Not counted in ClinVar's aggregate classification.

Counsyl
Classification: Likely benign for Usher syndrome, type 1F. Last evaluated: 2014-03-18. Review status: no assertion criteria provided. Collection method: literature only. Allele origin: unknown. Inheritance: Autosomal recessive inheritance. Not counted in ClinVar's aggregate classification.

Clinical Genetics DNA and cytogenetics Diagnostics Lab, Erasmus MC, Erasmus Medical Center
Classification: Benign. Review status: no assertion criteria provided. Collection method: clinical testing. Allele origin: germline. Affected: yes. Study: VKGL Data-share Consensus. Not counted in ClinVar's aggregate classification.

Joint Genome Diagnostic Labs from Nijmegen and Maastricht, Radboudumc and MUMC+
Classification: Benign. Review status: no assertion criteria provided. Collection method: clinical testing. Allele origin: germline. Affected: yes. Study: VKGL Data-share Consensus. Not counted in ClinVar's aggregate classification.

Literature cited by the submitters: PubMed 22135276 (cited by Athena Diagnostics and Counsyl).

NM_033056.4(PCDH15):c.5359C>T (p.Pro1787Ser)

Gene: PCDH15 (protocadherin related 15; minus strand). Cytogenetic location: 10q21.1.
Variant type: single nucleotide variant.
Coding change: c.5359C>T on transcript NM_033056.4 (MANE Plus Clinical); coding-DNA position 5359, C replaced by T.
Protein change: p.Pro1787Ser; replaces proline 1787 with serine.
Molecular consequence: missense variant. On other transcripts: intron variant (8).
Genome position (GRCh38, 1-based): chr10:53,822,367, G>A on the plus strand (C>T on the coding strand, the complement: PCDH15 is on the minus strand). VCF-style: chr10-53822367-G-A. GRCh37 (hg19) VCF-style: chr10-55582127-G-A.
Other names: p.P1787S:CCT>TCT; c.5380C>T, p.Pro1794Ser (NM_001142763.2); c.5365C>T, p.Pro1789Ser (NM_001142764.2); c.5152C>T, p.Pro1718Ser (NM_001142765.2); c.4388+2769C>T (NM_001142771.2); c.4373+2769C>T (NM_001142770.3, NM_001142772.2); c.4388+5026C>T (NM_001354411.2); c.4409+2769C>T (NM_001142769.3); and 8 more; short protein forms P1787S, P1718S, P1767S, P1789S, P1747S, P1765S, P1784S, P1794S.
Identifiers: ClinVar variation 46498 (VCV000046498.35), dbSNP rs61862390, ClinGen allele CA138469.